The following is an entry in ClinVar:

NM_001378778.1(MPDZ):c.409_410delinsC (p.Val137fs)

Gene: MPDZ (multiple PDZ domain crumbs cell polarity complex component; minus strand). Cytogenetic location: 9p23.
Variant type: Indel.
Coding change: c.409_410delinsC on transcript NM_001378778.1 (MANE Select); coding-DNA positions 409 to 410, GT replaced by C.
Protein change: p.Val137fs; shifts the reading frame from valine 137.
Molecular consequence: frameshift variant.
Genome position (GRCh38, 1-based): chr9:13,223,694-13,223,695, AC replaced by G on the plus strand (GT replaced by C on the coding strand, the reverse complement: MPDZ is on the minus strand). VCF-style: chr9-13223694-AC-G. GRCh37 (hg19) VCF-style: chr9-13223693-AC-G.
Other names: c.409_410delinsC, p.Val137fs (NM_001261406.2, NM_001261407.2, NM_001330637.2 and 14 more transcripts); short protein forms V137fs.
Identifiers: ClinVar variation 1703123 (VCV001703123.3), dbSNP rs2497668341, ClinGen allele CA2580079277.

ClinVar aggregate classification (germline): Likely pathogenic (1 of 4 stars; one submission).

Conditions:
Hydrocephalus, nonsyndromic, autosomal recessive 2. Also called: Hydrocephalus, congenital, 2, with or without brain or eye anomalies. Identifiers: Orphanet 2185, MedGen C3554691, MONDO:0014085, OMIM 615219.

Submission:

Greenwood Genetic Center Diagnostic Laboratories, Greenwood Genetic Center
Classification: Likely pathogenic for Hydrocephalus, nonsyndromic, autosomal recessive 2. Last evaluated: 2022-06-19. Review status: criteria provided, single submitter. Criteria: ACMG Guidelines, 2015. Collection method: clinical testing. Allele origin: germline. Affected: yes.
Comment: PVS1, PM2